The following is an entry in ClinVar:

NM_025152.3(NUBPL):c.201A>G (p.Lys67=)

Gene: NUBPL (NUBP iron-sulfur cluster assembly factor, mitochondrial; plus strand). Cytogenetic location: 14q12.
Variant type: single nucleotide variant.
Coding change: c.201A>G on transcript NM_025152.3 (MANE Select); coding-DNA position 201, A replaced by G.
Protein change: p.Lys67=; no amino-acid change (lysine 67 retained).
Molecular consequence: synonymous variant. On other transcripts: non-coding transcript variant (1).
Genome position (GRCh38, 1-based): chr14:31,562,160, A>G. VCF-style: chr14-31562160-A-G. GRCh37 (hg19) VCF-style: chr14-32031366-A-G.
Other names: c.201A>G (NM_025152.2).
Identifiers: ClinVar variation 1935073 (VCV001935073.10), dbSNP rs774987214, ClinGen allele CA7147744.

ClinVar aggregate classification (germline): Conflicting classifications of pathogenicity. Review status: criteria provided, conflicting classifications (1 of 4 stars). 3 submissions from 3 submitters: Uncertain significance (1); Likely benign (1). 1 of the submissions does not count toward it. Last evaluated 2026-01-19.

Conditions:
NUBPL-related disorder. Also called: NUBPL-related condition.
Mitochondrial complex I deficiency, nuclear type 21. Also called: Mitochondrial complex 1 deficiency, nuclear type 21. Identifiers: MedGen C4748792, MONDO:0032625, OMIM 618242.

Allele frequency attached by ClinVar (database versions not stated): gnomAD exomes 0.00001; TOPMed 0.00001; ExAC 0.00002; gnomAD 0.00003.
gnomAD v4.1: 16 of 1,614,048 alleles (0.00099%); highest among the groups gnomAD compares: South Asian, 0.015%; no homozygotes.

Submissions (3):

Labcorp Genetics (formerly Invitae), Labcorp
Classification: Likely benign. Last evaluated: 2026-01-19. Review status: criteria provided, single submitter. Criteria: Invitae Variant Classification Sherloc (09022015). Collection method: clinical testing. Allele origin: germline.

Revvity Omics, Revvity
Classification: Uncertain significance for Mitochondrial complex I deficiency, nuclear type 21. Last evaluated: 2020-12-03. Review status: criteria provided, single submitter. Criteria: ACMG Guidelines, 2015. Collection method: clinical testing. Allele origin: germline.

PreventionGenetics, part of Exact Sciences
Classification: Likely benign for NUBPL-related condition. Last evaluated: 2020-03-09. Review status: no assertion criteria provided. Collection method: clinical testing. Allele origin: germline. Not counted in ClinVar's aggregate classification.
Comment: This variant is classified as likely benign based on ACMG/AMP sequence variant interpretation guidelines (Richards et al. 2015 PMID: 25741868, with internal and published modifications).